The following is an entry in ClinVar:

ClinVar aggregate classification (germline): Pathogenic (1 of 4 stars; one submission).

Conditions:
Autosomal dominant nonsyndromic hearing loss 65. Also called: Deafness, autosomal dominant 65; TBC1D24-Related Autosomal Dominant Nonsyndromic Hearing Loss (DFNA). Identifiers: Orphanet 90635, MedGen C3892048, MONDO:0014470, OMIM 616044.
Developmental and epileptic encephalopathy, 1 (DEE1). Also called: INFANTILE SPASM SYNDROME, X-LINKED 1; X-linked infantile spasms; West's syndrome; Tonic spasms with clustering, arrest of psychomotor development and hypsarrhythmia on EEG; X-Linked Infantile Spasm Syndrome; OHTAHARA SYNDROME, X-LINKED. Identifiers: MedGen C3463992, MONDO:0010632, OMIM 308350. Disease mechanism: loss of function.

Submission:

Labcorp Genetics (formerly Invitae), Labcorp
Classification: Pathogenic for Developmental and epileptic encephalopathy, 1; Autosomal dominant nonsyndromic hearing loss 65. Last evaluated: 2023-05-31. Review status: criteria provided, single submitter. Criteria: Invitae Variant Classification Sherloc (09022015). Collection method: clinical testing. Allele origin: germline.
Comment: For these reasons, this variant has been classified as Pathogenic. This variant has not been reported in the literature in individuals affected with TBC1D24-related conditions. This variant is not present in population databases (gnomAD no frequency). This sequence change creates a premature translational stop signal (p.Ala113Glyfs*51) in the TBC1D24 gene. It is expected to result in an absent or disrupted protein product. Loss-of-function variants in TBC1D24 are known to be pathogenic (PMID: 23526554, 24291220).

Literature cited by the submitters: PubMed 23526554; PubMed 24291220.

NM_001199107.2(TBC1D24):c.337dup (p.Ala113fs)

Gene: TBC1D24 (TBC1 domain family member 24; plus strand). Cytogenetic location: 16p13.3.
Variant type: Duplication.
Coding change: c.337dup on transcript NM_001199107.2 (MANE Select); coding-DNA position 337, one base duplicated (G; older notation c.337dupG).
Protein change: p.Ala113fs; shifts the reading frame from alanine 113.
Molecular consequence: frameshift variant.
Genome position (GRCh38, 1-based): chr16:2,496,485, G duplicated; the last of 5 consecutive G bases (chr16:2,496,481-2,496,485); duplicating any one gives the same sequence. VCF-style (leftmost placement, unchanged base first): chr16-2496480-A-AG. GRCh37 (hg19) VCF-style: chr16-2546481-A-AG.
Other names: c.337dup, p.Ala113fs (NM_020705.3); short protein forms A113fs.
Identifiers: ClinVar variation 2948398 (VCV002948398.3), dbSNP rs2505513248, ClinGen allele CA2740096857.
Genomic context (GRCh38, chr16:2,496,480, plus strand): 5'-CGCTGCCCGAGTTCGTGGACAACACGCAGGTGCCCAGCTACTGCCTGAATGCACGCGGCG[A>AG]GGGGGCCGTGCGCAAGATCCTCCTGTGCCTGGCCAACCAGTTCCCCGACATCTCCTTCTG-3'